The following is an entry in ClinVar:

ClinVar aggregate classification (germline): Likely pathogenic. Review status: reviewed by expert panel (3 of 4 stars). 7 submissions from 7 submitters: Likely pathogenic (1). 6 of the submissions do not count toward it. Last evaluated 2020-04-20.

Conditions:
Glycogen storage disease, type II (IOPD). Also called: CARDIOMEGALIA GLYCOGENICA DIFFUSA; GLYCOGENOSIS, GENERALIZED, CARDIAC FORM; GSD II; Pompe Disease; Glycogen storage disease type 2; Acid maltase deficiency disease. Identifiers: Orphanet 365, MedGen C0017921, MONDO:0009290, OMIM 232300.

Allele frequency attached by ClinVar (database versions not stated): TOPMed below 0.00001.

Submissions (7):

ClinGen Lysosomal Storage Disorder Variant Curation Expert Panel
Classification: Likely pathogenic for Glycogen storage disease, type II. Last evaluated: 2020-04-20. Review status: reviewed by expert panel. Criteria: ClinGen LSD ACMG Specifications v1. Collection method: curation. Allele origin: germline. Inheritance: Autosomal recessive inheritance.
Comment: This variant, c.2646+2T>A, alters the canonical donor splice site of intron 18. RT-PCR analysis revealed that the variant results in the use of a cryptic splice site in exon 18, deleting the last 21 nucleotides of the exon, corresponding to the loss of 7 amino acids (PMID 11854868). As <10% of the protein in lost, PVS1_Moderate was applied. The variant is not in gnomAD v2.1.1, meeting PM2. Four individuals with this variant have been reported to have Pompe disease and residual GAA activity meeting the ClinGen LSD VCEP's specifications for PP4. These individuals are compound heterozygous for the variant and another pathogenic variant in GAA, either an 8 kb deletion extending from intron 7 to intron 15 (PMID 11854868; in trans, 1 point), c.2481+102_2646+31del (PMID 17616415; phase unknown), c.573C>A (p.Tyr191Ter) (PMID 11738358; phase unknown), and c.1942G>A (p.Gly648Ser) (PMID 29422078; note that in trans data from this patient will be used in the classification of p.Gly648Ser and is not included here in order to avoid a circular argument). This in trans data meets PM3_Strong. Another patient has been reported but was not included because the residual GAA activity was not provided and therefore PP4 cannot be assessed (PMID 28380188). There is a ClinVar entry for this variant (Variation ID: 188924, 1 star status) with one submitter classifying the variant as likely pathogenic. In summary, this variant meets the criteria to be classified as likely pathogenic for Pompe disease. GAA-specific ACMG/AMP criteria applied, as specified by the ClinGen LSD VCEP: PVS1_Moderate, PM2, PM3_Strong, PP4.

Genomenon, Inc
Classification: Likely pathogenic for Glycogen storage disease, type II. Last evaluated: 2026-07-01. Review status: criteria provided, single submitter. Criteria: Genomenon Sequence Variant Interpretation Standards - Updated. Collection method: curation. Allele origin: germline. Affected: yes. Not counted in ClinVar's aggregate classification.
Comment: GAA c.2646+2T>A is a canonical splice variant affecting the donor splice site of intron 18. It is predicted to affect mRNA splicing, leading to a deleterious effect on the GAA protein. This variant has been observed in at least one proband with a GAA-related disorder in the compound heterozygous and/or homozygous state (PMID:39835171;38958145;33972680;11738358;29422078;28380188;17616415;11854868). At least one splicing study has demonstrated that this variant results in aberrant splicing (PMID:11854868). It is absent or not present at a significant frequency in gnomAD. In conclusion, we classify GAA c.2646+2T>A as a likely pathogenic variant.

Myriad Genetics, Inc.
Classification: Pathogenic for Glycogen storage disease, type II. Last evaluated: 2025-01-08. Review status: criteria provided, single submitter. Criteria: Myriad Autosomal Dominant, Autosomal Recessive and X-Linked Classification Criteria (2023). Collection method: clinical testing. Allele origin: unknown. Not counted in ClinVar's aggregate classification.
Comment: NM_000152.3(GAA):c.2646+2T>A is a variant in a canonical splice site classified as pathogenic in the context of Pompe disease. c.2646+2T>A has been observed in cases with relevant disease (PMID: 11854868, 11738358, 17616415). Relevant functional assessments of this variant are available in the literature (PMID: 11854868). c.2646+2T>A has not been observed in referenced population frequency databases. In summary, NM_000152.3(GAA):c.2646+2T>A is a variant in a canonical splice site that has been observed more frequently in cases with the relevant disease than in healthy populations. Please note: this variant was assessed in the context of healthy population screening.

Labcorp Genetics (formerly Invitae), Labcorp
Classification: Pathogenic for Glycogen storage disease, type II. Last evaluated: 2023-11-06. Review status: criteria provided, single submitter. Criteria: Invitae Variant Classification Sherloc (09022015). Collection method: clinical testing. Allele origin: germline. Not counted in ClinVar's aggregate classification.
Comment: This sequence change affects a donor splice site in intron 18 of the GAA gene. It is expected to disrupt RNA splicing. Variants that disrupt the donor or acceptor splice site typically lead to a loss of protein function (PMID: 16199547), and loss-of-function variants in GAA are known to be pathogenic (PMID: 18425781, 22252923). This variant is not present in population databases (gnomAD no frequency). Disruption of this splice site has been observed in individuals with Pompe disease (PMID: 11738358, 29422078). ClinVar contains an entry for this variant (Variation ID: 188924). Algorithms developed to predict the effect of sequence changes on RNA splicing suggest that this variant may disrupt the consensus splice site. For these reasons, this variant has been classified as Pathogenic.

Women's Health and Genetics/Laboratory Corporation of America, LabCorp
Classification: Pathogenic for Glycogen storage disease, type II. Last evaluated: 2021-12-13. Review status: criteria provided, single submitter. Criteria: LabCorp Variant Classification Summary - May 2015. Collection method: clinical testing. Allele origin: germline. Not counted in ClinVar's aggregate classification.
Comment: Variant summary: GAA c.2646+2T>A is located in a canonical splice-site and is predicted to affect mRNA splicing resulting in a significantly altered protein due to either exon skipping, shortening, or inclusion of intronic material. Several computational tools predict a significant impact on normal splicing: Four predict the variant abolishes a 5 splicing donor site. Experimental evidence supports these predictions demonstrating that the variant results in use of a cryptic splice site in exon 18 leading to deletion of the terminal 21 nucleotides of exon 18 (Huie_2002). The variant was absent in 207926 control chromosomes (gnomAD). c.2646+2T>A has been reported in the literature in multiple compound heterozygous individuals affected with Glycogen Storage Disease, Type 2 (Pompe Disease) (examples: Fernandez-Hojas_2002, Huie_2002, Gort_2007, Bevilacqua_2020, and Viamonte_2021). These data indicate that the variant is very likely to be associated with disease. Two ClinVar submitters including an expert panel (ClinGen Lysosomal Storage Disorder Variant Curation Expert Panel) (evaluation after 2014) cite the variant as pathogenic/likely pathogenic. Based on the evidence outlined above, the variant was classified as pathogenic.

Revvity Omics, Revvity
Classification: Pathogenic. Last evaluated: 2021-10-08. Review status: criteria provided, single submitter. Criteria: ACMG Guidelines, 2015. Collection method: clinical testing. Allele origin: germline. Not counted in ClinVar's aggregate classification.

Counsyl
Classification: Likely pathogenic for Glycogen storage disease, type II. Last evaluated: 2014-08-21. Review status: no assertion criteria provided. Collection method: literature only. Allele origin: unknown. Inheritance: Autosomal recessive inheritance. Not counted in ClinVar's aggregate classification.

Literature cited by the submitters: PubMed 39835171 (cited by Genomenon, Inc); PubMed 38958145 (cited by Genomenon, Inc); PubMed 33972680 (cited by Genomenon, Inc and Women's Health and Genetics/Laboratory Corporation of America, LabCorp); PubMed 11738358 (cited by 5 submitters); PubMed 29422078 (cited by Genomenon, Inc and Labcorp Genetics (formerly Invitae), Labcorp); PubMed 28380188 (cited by Genomenon, Inc); PubMed 17616415 (cited by 4 submitters); PubMed 11854868 (cited by 4 submitters); PubMed 16199547 (cited by Labcorp Genetics (formerly Invitae), Labcorp); PubMed 18425781 (cited by Labcorp Genetics (formerly Invitae), Labcorp); PubMed 22252923 (cited by Labcorp Genetics (formerly Invitae), Labcorp); PubMed 31086307 (cited by Women's Health and Genetics/Laboratory Corporation of America, LabCorp); PubMed 31931849 (cited by Women's Health and Genetics/Laboratory Corporation of America, LabCorp); PubMed 8435067 (cited by Counsyl); PubMed 21179066 (cited by Counsyl).

NM_000152.5(GAA):c.2646+2T>A

Gene: GAA (alpha glucosidase; plus strand). Cytogenetic location: 17q25.3.
Variant type: single nucleotide variant.
Coding change: c.2646+2T>A on transcript NM_000152.5 (MANE Select); the canonical splice donor site of the intron after coding-DNA position 2646, T replaced by A.
Molecular consequence: splice donor variant.
Genome position (GRCh38, 1-based): chr17:80,118,359, T>A. VCF-style: chr17-80118359-T-A. GRCh37 (hg19) VCF-style: chr17-78092158-T-A.
Other names: c.2646+2T>A (NM_001406741.1, NM_001406742.1, NM_001079803.3 and 2 more transcripts).
Identifiers: ClinVar variation 188924 (VCV000188924.16), dbSNP rs786204561, ClinGen allele CA274134.